The following is an entry in ClinVar:

NM_001458.5(FLNC):c.1258C>T (p.Arg420Trp)

Gene: FLNC (filamin C; plus strand). Cytogenetic location: 7q32.1.
Variant type: single nucleotide variant.
Coding change: c.1258C>T on transcript NM_001458.5 (MANE Select); coding-DNA position 1258, C replaced by T.
Protein change: p.Arg420Trp; replaces arginine 420 with tryptophan.
Molecular consequence: missense variant.
Genome position (GRCh38, 1-based): chr7:128,838,650, C>T. VCF-style: chr7-128838650-C-T. GRCh37 (hg19) VCF-style: chr7-128478704-C-T.
Other names: c.1258C>T, p.Arg420Trp (NM_001127487.2); short protein forms R420W.
Identifiers: ClinVar variation 846709 (VCV000846709.11), dbSNP rs766755439, ClinGen allele CA4474289.

ClinVar aggregate classification (germline): Conflicting classifications of pathogenicity. Review status: criteria provided, conflicting classifications (1 of 4 stars). 3 submissions from 3 submitters: Uncertain significance (1); Likely benign (2). Last evaluated 2025-12-29.

Conditions:
Cardiovascular phenotype. Identifiers: MedGen CN230736.
Myofibrillar myopathy 5. Also called: Filaminopathy (type); FILAMINOPATHY, AUTOSOMAL DOMINANT. Identifiers: Orphanet 171445, MedGen C1836050, MONDO:0012289, OMIM 609524.
Distal myopathy with posterior leg and anterior hand involvement. Also called: WILLIAMS DISTAL MYOPATHY. Identifiers: Orphanet 63273, MedGen C3279722, MONDO:0013550, OMIM 614065.
Hypertrophic cardiomyopathy 26. Also called: Cardiomyopathy, familial hypertrophic, 26. Identifiers: Orphanet 75249, MedGen C4310749, MONDO:0014883, OMIM 617047.

Allele frequency attached by ClinVar (database versions not stated): gnomAD exomes 0.00001 and 0.00004; gnomAD 0.00002; ExAC 0.00003; TOPMed 0.00005.
gnomAD v4.1: 19 of 1,612,926 alleles (0.0012%); highest among the groups gnomAD compares: East Asian, 0.0067%; no homozygotes.

Submissions (3):

Labcorp Genetics (formerly Invitae), Labcorp
Classification: Likely benign for Distal myopathy with posterior leg and anterior hand involvement; Myofibrillar myopathy 5; Hypertrophic cardiomyopathy 26. Last evaluated: 2025-12-29. Review status: criteria provided, single submitter. Criteria: Invitae Variant Classification Sherloc (09022015). Collection method: clinical testing. Allele origin: germline.

Women's Health and Genetics/Laboratory Corporation of America, LabCorp
Classification: Likely benign. Last evaluated: 2025-06-27. Review status: criteria provided, single submitter. Criteria: LabCorp Variant Classification Summary - May 2015. Collection method: clinical testing. Allele origin: germline.
Comment: Variant summary: FLNC c.1258C>T (p.Arg420Trp) results in a non-conservative amino acid change in the encoded protein sequence. Algorithms developed to predict the effect of missense changes on protein structure and function all suggest that this variant is likely to be disruptive. The variant allele was found at a frequency of 3.9e-05 in 279088 control chromosomes. The observed variant frequency is approximately 3.5-fold of the estimated maximal expected allele frequency for a pathogenic variant in FLNC causing Cardiomyopathy phenotype (1.1e-05), providing supporting evidence for a benign role. To our knowledge, no occurrence of c.1258C>T in individuals affected with Cardiomyopathy and no experimental evidence demonstrating its impact on protein function have been reported. ClinVar contains an entry for this variant (Variation ID: 846709). Based on the evidence outlined above, the variant was classified as likely benign.

Ambry Genetics
Classification: Uncertain significance for Cardiovascular phenotype. Last evaluated: 2021-12-13. Review status: criteria provided, single submitter. Criteria: Ambry Variant Classification Scheme 2023. Collection method: clinical testing. Allele origin: germline.
Comment: The p.R420W variant (also known as c.1258C>T), located in coding exon 8 of the FLNC gene, results from a C to T substitution at nucleotide position 1258. The arginine at codon 420 is replaced by tryptophan, an amino acid with dissimilar properties. This amino acid position is conserved. In addition, the in silico prediction for this alteration is inconclusive. Since supporting evidence is limited at this time, the clinical significance of this alteration remains unclear.